The following is an entry in ClinVar:

NM_001005273.3(CHD3):c.3577C>T (p.Arg1193Ter)

Gene: CHD3 (chromodomain helicase DNA binding protein 3; plus strand). Cytogenetic location: 17p13.1.
Variant type: single nucleotide variant.
Coding change: c.3577C>T on transcript NM_001005273.3 (MANE Select); coding-DNA position 3577, C replaced by T.
Protein change: p.Arg1193Ter; replaces arginine 1193 with a stop codon.
Molecular consequence: nonsense.
Genome position (GRCh38, 1-based): chr17:7,903,353, C>T. VCF-style: chr17-7903353-C-T. GRCh37 (hg19) VCF-style: chr17-7806671-C-T.
Other names: c.3754C>T, p.Arg1252Ter (NM_001005271.3); c.3577C>T, p.Arg1193Ter (NM_005852.4); short protein forms R1193*, R1252*.
Identifiers: ClinVar variation 3832781 (VCV003832781.1).
Genomic context (GRCh38, chr17:7,903,353, plus strand): 5'-ATTGGCCAGGCCAACAAAGTGATGATTTACCGGTTTGTGACTCGCGCGTCAGTGGAAGAG[C>T]GAATCACACAAGTGGCCAAGAGAAAGATGATGCTGACACACCTGGTTGTGCGGCCTGGGC-3'

ClinVar aggregate classification (germline): Pathogenic (1 of 4 stars; one submission).

Conditions:
Inborn genetic diseases. Identifiers: MedGen C0950123, MeSH D030342.

gnomAD v4.1: 1 of 1,614,206 alleles (0.000062%); highest among the groups gnomAD compares: East Asian, 0.0022%; no homozygotes.

Submission:

Ambry Genetics
Classification: Pathogenic for Inborn genetic diseases. Last evaluated: 2025-03-06. Review status: criteria provided, single submitter. Criteria: Ambry Variant Classification Scheme 2023. Collection method: clinical testing. Allele origin: germline.
Comment: The c.3754C>T (p.R1252*) alteration, located in coding exon 23 of the CHD3 gene, consists of a C to T substitution at nucleotide position 3754. This changes the amino acid from an arginine (R) to a stop codon at amino acid position 1252. This alteration is expected to result in loss of function by premature protein truncation or nonsense-mediated mRNA decay. This allele was reported in one heterozygous individual in population-based cohorts in the Genome Aggregation Database (gnomAD). Based on the available evidence, this alteration is classified as pathogenic.